The following is an entry in ClinVar:

NM_058246.4(DNAJB6):c.122A>C (p.Glu41Ala)

Gene: DNAJB6 (DnaJ heat shock protein family (Hsp40) member B6; plus strand). Cytogenetic location: 7q36.3.
Variant type: single nucleotide variant.
Coding change: c.122A>C on transcript NM_058246.4 (MANE Select); coding-DNA position 122, A replaced by C.
Protein change: p.Glu41Ala; replaces glutamic acid 41 with alanine.
Molecular consequence: missense variant.
Genome position (GRCh38, 1-based): chr7:157,363,217, A>C. VCF-style: chr7-157363217-A-C. GRCh37 (hg19) VCF-style: chr7-157155911-A-C.
Other names: c.122A>C, p.Glu41Ala (NM_001363676.1, NM_005494.3); short protein forms E41A.
Identifiers: ClinVar variation 1432950 (VCV001432950.10), dbSNP rs201730743, ClinGen allele CA4590357.

ClinVar aggregate classification (germline): Uncertain significance. Review status: criteria provided, multiple submitters, no conflicts (2 of 4 stars). 2 submissions from 2 submitters: Uncertain significance (2). Last evaluated 2024-12-18.

Conditions:
Autosomal dominant limb-girdle muscular dystrophy type 1D (DNAJB6) (LGMDD1). Also called: MUSCULAR DYSTROPHY, LIMB-GIRDLE, TYPE 1D; Autosomal dominant limb-girdle muscular dystrophy type 1D; Muscular dystrophy, limb-girdle, autosomal dominant 1; MUSCULAR DYSTROPHY, AUTOSOMAL DOMINANT, WITH RIMMED VACUOLES. Identifiers: Orphanet 34516, MedGen C4721885, MONDO:0021018, OMIM 603511.

Allele frequency attached by ClinVar (database versions not stated): 1000 Genomes Project 0.00040; 1000 Genomes Project 30x 0.00047.
gnomAD v4.1: 58 of 1,612,046 alleles (0.0036%); highest among the groups gnomAD compares: East Asian, 0.053%; no homozygotes.

Submissions (2):

Labcorp Genetics (formerly Invitae), Labcorp
Classification: Uncertain significance for Autosomal dominant limb-girdle muscular dystrophy type 1D (DNAJB6). Last evaluated: 2024-12-18. Review status: criteria provided, single submitter. Criteria: Invitae Variant Classification Sherloc (09022015). Collection method: clinical testing. Allele origin: germline.
Comment: This sequence change replaces glutamic acid, which is acidic and polar, with alanine, which is neutral and non-polar, at codon 41 of the DNAJB6 protein (p.Glu41Ala). This variant is present in population databases (rs201730743, gnomAD 0.02%). This variant has not been reported in the literature in individuals affected with DNAJB6-related conditions. ClinVar contains an entry for this variant (Variation ID: 1432950). Invitae Evidence Modeling of protein sequence and biophysical properties (such as structural, functional, and spatial information, amino acid conservation, physicochemical variation, residue mobility, and thermodynamic stability) indicates that this missense variant is not expected to disrupt DNAJB6 protein function with a negative predictive value of 80%. In summary, the available evidence is currently insufficient to determine the role of this variant in disease. Therefore, it has been classified as a Variant of Uncertain Significance.

Revvity Omics, Revvity
Classification: Uncertain significance for Autosomal dominant limb-girdle muscular dystrophy type 1D (DNAJB6). Last evaluated: 2021-03-23. Review status: criteria provided, single submitter. Criteria: ACMG Guidelines, 2015. Collection method: clinical testing. Allele origin: germline.